The following is an entry in ClinVar:

NM_001365536.1(SCN9A):c.182T>A (p.Phe61Tyr)

Gene: SCN9A (sodium voltage-gated channel alpha subunit 9; minus strand). Cytogenetic location: 2q24.3.
Variant type: single nucleotide variant.
Coding change: c.182T>A on transcript NM_001365536.1 (MANE Select); coding-DNA position 182, T replaced by A.
Protein change: p.Phe61Tyr; replaces phenylalanine 61 with tyrosine.
Molecular consequence: missense variant.
Genome position (GRCh38, 1-based): chr2:166,311,575, A>T on the plus strand (T>A on the coding strand, the complement: SCN9A is on the minus strand). VCF-style: chr2-166311575-A-T. GRCh37 (hg19) VCF-style: chr2-167168085-A-T.
Other names: c.182T>A, p.Phe61Tyr (NM_002977.4); short protein forms F61Y.
Identifiers: ClinVar variation 855072 (VCV000855072.11), dbSNP rs1698959890, ClinGen allele CA349095929.

ClinVar aggregate classification (germline): Uncertain significance. Review status: criteria provided, multiple submitters, no conflicts (2 of 4 stars). 2 submissions from 2 submitters: Uncertain significance (2). Last evaluated 2022-07-26.

Conditions:
Generalized epilepsy with febrile seizures plus, type 7 (GEFSP7). Also called: GEFS+, TYPE 7. Identifiers: Orphanet 36387, MedGen C2751778, MONDO:0013470, OMIM 613863.
Neuropathy, hereditary sensory and autonomic, type 2A (HSAN2A). Also called: MORVAN DISEASE; NEUROPATHY, CONGENITAL SENSORY; NEUROPATHY, HEREDITARY SENSORY RADICULAR, AUTOSOMAL RECESSIVE; NEUROPATHY, HEREDITARY SENSORY, TYPE IIA; NEUROPATHY, PROGRESSIVE SENSORY, OF CHILDREN; WNK1-Related HSAN2 (HSAN2A). Identifiers: Orphanet 970, MedGen C2752089, MONDO:0024309, OMIM 201300.
Inborn genetic diseases. Identifiers: MedGen C0950123, MeSH D030342.

Submissions (2):

Ambry Genetics
Classification: Uncertain significance for Inborn genetic diseases. Last evaluated: 2022-07-26. Review status: criteria provided, single submitter. Criteria: Ambry Variant Classification Scheme 2023. Collection method: clinical testing. Allele origin: germline.

Labcorp Genetics (formerly Invitae), Labcorp
Classification: Uncertain significance for Neuropathy, hereditary sensory and autonomic, type 2A; Generalized epilepsy with febrile seizures plus, type 7. Last evaluated: 2019-04-03. Review status: criteria provided, single submitter. Criteria: Invitae Variant Classification Sherloc (09022015). Collection method: clinical testing. Allele origin: germline.
Comment: In summary, the available evidence is currently insufficient to determine the role of this variant in disease. Therefore, it has been classified as a Variant of Uncertain Significance. Algorithms developed to predict the effect of missense changes on protein structure and function (SIFT, PolyPhen-2, Align-GVGD) all suggest that this variant is likely to be tolerated, but these predictions have not been confirmed by published functional studies and their clinical significance is uncertain. This variant has not been reported in the literature in individuals with SCN9A-related conditions. This variant is not present in population databases (ExAC no frequency). This sequence change replaces phenylalanine with tyrosine at codon 61 of the SCN9A protein (p.Phe61Tyr). The phenylalanine residue is highly conserved and there is a small physicochemical difference between phenylalanine and tyrosine.